The following is an entry in ClinVar:

ClinVar aggregate classification (germline): Pathogenic (1 of 4 stars; one submission).

Conditions:
Long QT syndrome (LQTS). Identifiers: MedGen C0023976, MeSH D008133, MONDO:0002442. Disease mechanism: loss of function. Inheritance: Various modes of inheritance.

Submission:

Labcorp Genetics (formerly Invitae), Labcorp
Classification: Pathogenic for Long QT syndrome. Last evaluated: 2023-08-18. Review status: criteria provided, single submitter. Criteria: Invitae Variant Classification Sherloc (09022015). Collection method: clinical testing. Allele origin: germline.
Comment: For these reasons, this variant has been classified as Pathogenic. This premature translational stop signal has been observed in individual(s) with clinical features consistent with autosomal dominant Long QT Syndrome (Invitae). This variant is not present in population databases (gnomAD no frequency). This sequence change creates a premature translational stop signal (p.Glu494Argfs*4) in the KCNQ1 gene. It is expected to result in an absent or disrupted protein product. Loss-of-function variants in KCNQ1 are known to be pathogenic (PMID: 9323054, 19862833).

Literature cited by the submitters: PubMed 9323054; PubMed 19862833.

NM_000218.3(KCNQ1):c.1476del (p.Glu494fs)

Genes: KCNQ1 (potassium voltage-gated channel subfamily Q member 1; plus strand), KCNQ1OT1 (KCNQ1 opposite strand/antisense transcript 1; minus strand). Cytogenetic location: 11p15.5.
Variant type: Deletion.
Coding change: c.1476del on transcript NM_000218.3 (MANE Select); coding-DNA position 1476, one base deleted (A; older notation c.1476delA).
Protein change: p.Glu494fs; shifts the reading frame from glutamic acid 494.
Molecular consequence: frameshift variant. On other transcripts: non-coding transcript variant (1).
Genome position (GRCh38, 1-based): chr11:2,662,043, A deleted; the last of 2 consecutive A bases (chr11:2,662,042-2,662,043); deleting either gives the same sequence. VCF-style (leftmost placement, unchanged base first): chr11-2662041-GA-G. GRCh37 (hg19) VCF-style: chr11-2683271-GA-G.
Other names: c.1380del, p.Glu462fs (NM_001406836.1); c.1206del, p.Glu404fs (NM_001406837.1); c.936del, p.Glu314fs (NM_001406838.1); c.1095del, p.Glu367fs (NM_181798.2); short protein forms E314fs, E367fs, E462fs, E494fs, E404fs.
Identifiers: ClinVar variation 2725492 (VCV002725492.3), dbSNP rs2493870342, ClinGen allele CA2697558903.